The following is an entry in ClinVar:

ClinVar aggregate classification (germline): Uncertain significance (1 of 4 stars; one submission).

Submission:

Greenwood Genetic Center Diagnostic Laboratories, Greenwood Genetic Center
Classification: Uncertain significance. Last evaluated: 2023-12-18. Review status: criteria provided, single submitter. Criteria: ACMG Guidelines, 2015. Collection method: clinical testing. Allele origin: germline. Affected: yes.
Comment: PM2

NM_006245.4(PPP2R5D):c.1806_1807del (p.Ter603ThrextTer?)

Genes: MEA1 (male-enhanced antigen 1; minus strand), PPP2R5D (protein phosphatase 2 regulatory subunit B'delta; plus strand). Cytogenetic location: 6p21.1.
Variant type: Microsatellite.
Coding change: c.1806_1807del on transcript NM_006245.4 (MANE Select); coding-DNA positions 1806 to 1807, 2 bases deleted (CT; older notation c.1806_1807delCT).
Protein change: p.Ter603ThrextTer?.
Molecular consequence: frameshift variant. On other transcripts: 3 prime UTR variant (1).
Genome position (GRCh38, 1-based): chr6:43,011,283-43,011,284, CT deleted; deleting any 2 consecutive bases within chr6:43,011,279-43,011,284 gives the same sequence; the c. name uses the placement nearest the transcript's 3' end. VCF-style (leftmost placement, unchanged base first): chr6-43011278-GCT-G. GRCh37 (hg19) VCF-style: chr6-42979016-GCT-G.
Other names: c.*1186AG[2] (NM_014623.4); c.1353_1354del, p.Ter452ThrextTer? (NM_001270476.2); c.1710_1711del, p.Ter571ThrextTer? (NM_180976.3); c.1488_1489del, p.Ter497ThrextTer? (NM_180977.3).
Identifiers: ClinVar variation 2692507 (VCV002692507.1), dbSNP rs2532493722, ClinGen allele CA2678798117.